The following is an entry in ClinVar:

ClinVar aggregate classification (germline): Uncertain significance (1 of 4 stars; one submission).

Conditions:
Mitochondrial complex V (ATP synthase) deficiency, nuclear type 2. Also called: Nuclear-Encoded ATPase Deficiency, TMEM70-Related; ENCEPHALOCARDIOMYOPATHY, MITOCHONDRIAL, NEONATAL, DUE TO ATP SYNTHASE DEFICIENCY; MITOCHONDRIAL COMPLEX V (ATP SYNTHASE) DEFICIENCY, TMEM70 TYPE. Identifiers: Orphanet 1194, MedGen C3279699, MONDO:0013546, OMIM 614052.

Submission:

Labcorp Genetics (formerly Invitae), Labcorp
Classification: Uncertain significance for Mitochondrial complex V (ATP synthase) deficiency, nuclear type 2. Last evaluated: 2022-07-13. Review status: criteria provided, single submitter. Criteria: Invitae Variant Classification Sherloc (09022015). Collection method: clinical testing. Allele origin: germline.
Comment: This sequence change replaces isoleucine, which is neutral and non-polar, with valine, which is neutral and non-polar, at codon 168 of the TMEM70 protein (p.Ile168Val). This variant is not present in population databases (gnomAD no frequency). This variant has not been reported in the literature in individuals affected with TMEM70-related conditions. Algorithms developed to predict the effect of missense changes on protein structure and function output the following: SIFT: "Tolerated"; PolyPhen-2: "Benign"; Align-GVGD: "Class C0". The valine amino acid residue is found in multiple mammalian species, which suggests that this missense change does not adversely affect protein function. In summary, the available evidence is currently insufficient to determine the role of this variant in disease. Therefore, it has been classified as a Variant of Uncertain Significance.

NM_017866.6(TMEM70):c.502A>G (p.Ile168Val)

Gene: TMEM70 (transmembrane protein 70; plus strand). Cytogenetic location: 8q21.11.
Variant type: single nucleotide variant.
Coding change: c.502A>G on transcript NM_017866.6 (MANE Select); coding-DNA position 502, A replaced by G.
Protein change: p.Ile168Val; replaces isoleucine 168 with valine.
Molecular consequence: missense variant. On other transcripts: 3 prime UTR variant (1), non-coding transcript variant (1).
Genome position (GRCh38, 1-based): chr8:73,981,340, A>G. VCF-style: chr8-73981340-A-G. GRCh37 (hg19) VCF-style: chr8-74893575-A-G.
Other names: c.*192A>G (NM_001040613.3); short protein forms I168V.
Identifiers: ClinVar variation 2420367 (VCV002420367.6), dbSNP rs2536395963, ClinGen allele CA371490127.